The following is an entry in ClinVar:

ClinVar aggregate classification (germline): Uncertain significance. Review status: criteria provided, multiple submitters, no conflicts (2 of 4 stars). 3 submissions from 3 submitters: Uncertain significance (2). 1 of the submissions does not count toward it. Last evaluated 2024-05-03.

Conditions:
Aicardi-Goutieres syndrome 4. Identifiers: Orphanet 51, MedGen C1835912, MONDO:0012472, OMIM 610333.
RNASEH2A-related disorder. Also called: RNASEH2A-related condition.

Allele frequency attached by ClinVar (database versions not stated): gnomAD 0.00004; TOPMed 0.00004; gnomAD exomes 0.00006 and 0.00014; ExAC 0.00014.
gnomAD v4.1: 89 of 1,614,026 alleles (0.0055%); highest among the groups gnomAD compares: South Asian, 0.078%; no homozygotes.

Submissions (3):

Fulgent Genetics
Classification: Uncertain significance for Aicardi-Goutieres syndrome 4. Last evaluated: 2024-05-03. Review status: criteria provided, single submitter. Criteria: ACMG Guidelines, 2015. Collection method: clinical testing. Allele origin: germline.

Labcorp Genetics (formerly Invitae), Labcorp
Classification: Uncertain significance for Aicardi-Goutieres syndrome 4. Last evaluated: 2022-05-20. Review status: criteria provided, single submitter. Criteria: Invitae Variant Classification Sherloc (09022015). Collection method: clinical testing. Allele origin: germline.
Comment: This sequence change affects codon 66 of the RNASEH2A mRNA. It is a 'silent' change, meaning that it does not change the encoded amino acid sequence of the RNASEH2A protein. It affects a nucleotide within the consensus splice site. This variant is present in population databases (rs767723275, gnomAD 0.08%). This variant has not been reported in the literature in individuals affected with RNASEH2A-related conditions. Algorithms developed to predict the effect of sequence changes on RNA splicing suggest that this variant may create or strengthen a splice site. In summary, the available evidence is currently insufficient to determine the role of this variant in disease. Therefore, it has been classified as a Variant of Uncertain Significance.

PreventionGenetics, part of Exact Sciences
Classification: Likely benign for RNASEH2A-related condition. Last evaluated: 2019-07-18. Review status: no assertion criteria provided. Collection method: clinical testing. Allele origin: germline. Not counted in ClinVar's aggregate classification.
Comment: This variant is classified as likely benign based on ACMG/AMP sequence variant interpretation guidelines (Richards et al. 2015 PMID: 25741868, with internal and published modifications).

NM_006397.3(RNASEH2A):c.198A>T (p.Ala66=)

Gene: RNASEH2A (ribonuclease H2 subunit A; plus strand). Cytogenetic location: 19p13.13.
Variant type: single nucleotide variant.
Coding change: c.198A>T on transcript NM_006397.3 (MANE Select); coding-DNA position 198, A replaced by T.
Protein change: p.Ala66=; no amino-acid change (alanine 66 retained).
Molecular consequence: synonymous variant.
Genome position (GRCh38, 1-based): chr19:12,807,078, A>T. VCF-style: chr19-12807078-A-T. GRCh37 (hg19) VCF-style: chr19-12917892-A-T.
Other names: c.198A>T (NM_006397.2).
Identifiers: ClinVar variation 1360059 (VCV001360059.8), dbSNP rs767723275, ClinGen allele CA9231768.
Genomic context (GRCh38, chr19:12,807,078, plus strand): 5'-CTACGCCATCTGTTATTGTCCCCTGCCTCGCCTGGCAGATCTGGAGGCGCTGAAAGTGGC[A>T]GGTGAGCCCGAGGTGTGCGTCTGGGGAAGGGATTCCTGGGTATGTGCAGGGGCAGGTGAG-3'
Protein context (NP_006388.2, residues 56-76): RLADLEALKV[Ala66=]DSKTLLESER